The following is an entry in ClinVar:

ClinVar aggregate classification (germline): Uncertain significance (1 of 4 stars; one submission).

Submission:

GeneDx
Classification: Uncertain significance. Last evaluated: 2023-12-09. Review status: criteria provided, single submitter. Criteria: GeneDx Variant Classification Process June 2021. Collection method: clinical testing. Allele origin: germline. Affected: yes.
Comment: Not observed at significant frequency in large population cohorts (gnomAD); Missense variants in this gene are a common cause of disease and they are underrepresented in the general population; In silico analysis supports that this missense variant has a deleterious effect on protein structure/function; Has not been previously published as pathogenic or benign to our knowledge; This variant is associated with the following publications: (PMID: 16490376)

NM_003673.4(TCAP):c.359A>G (p.Glu120Gly)

Gene: TCAP (titin-cap; plus strand). Cytogenetic location: 17q12.
Variant type: single nucleotide variant.
Coding change: c.359A>G on transcript NM_003673.4 (MANE Select); coding-DNA position 359, A replaced by G.
Protein change: p.Glu120Gly; replaces glutamic acid 120 with glycine.
Molecular consequence: missense variant.
Genome position (GRCh38, 1-based): chr17:39,665,964, A>G. VCF-style: chr17-39665964-A-G. GRCh37 (hg19) VCF-style: chr17-37822217-A-G.
Other names: short protein forms E120G.
Identifiers: ClinVar variation 3252652 (VCV003252652.1), dbSNP rs2145074087.